The following is an entry in ClinVar:

NM_001323289.2(CDKL5):c.-163+16731A>G

Gene: CDKL5 (cyclin dependent kinase like 5; plus strand). Cytogenetic location: Xp22.13.
Variant type: single nucleotide variant.
Coding change: c.-163+16731A>G on transcript NM_001323289.2 (MANE Select); 16731 bases into the intron after 163 bases upstream of the start codon, A replaced by G.
Molecular consequence: intron variant.
Genome position (GRCh38, 1-based): chrX:18,442,426, A>G. VCF-style: chrX-18442426-A-G. GRCh37 (hg19) VCF-style: chrX-18460546-A-G.
Other names: c.-163+16731A>G (NM_003159.3); c.-163+3A>G (NM_001037343.2).
Identifiers: ClinVar variation 4813958 (VCV004813958.1).

ClinVar aggregate classification (germline): Uncertain significance (1 of 4 stars; one submission).

Submission:

GeneDx
Classification: Uncertain significance. Last evaluated: 2025-09-23. Review status: criteria provided, single submitter. Criteria: GeneDx Variant Classification Process June 2021. Collection method: clinical testing. Allele origin: germline. Affected: yes.
Comment: In silico analysis supports a deleterious effect on splicing; Has not been previously published as pathogenic or benign to our knowledge; Reported using an alternate transcript of the gene